The following is an entry in ClinVar:

ClinVar aggregate classification (germline): Likely benign. Review status: criteria provided, multiple submitters, no conflicts (2 of 4 stars). 2 submissions from 2 submitters: Likely benign (2). Last evaluated 2018-01-12.

Conditions:
Hereditary spastic paraplegia 30. Identifiers: Orphanet 101010, MedGen C5235139, MONDO:0012476.

Allele frequency attached by ClinVar (database versions not stated): 1000 Genomes Project 30x 0.02327; 1000 Genomes Project 0.02456; gnomAD 0.03092; TOPMed 0.03180; gnomAD exomes 0.03646.
gnomAD v4.1: 4,922 of 152,466 alleles (3.2%); highest among the groups gnomAD compares: Middle Eastern, 5.4%; 101 homozygotes.

Submissions (2):

Illumina Laboratory Services, Illumina
Classification: Likely benign for Spastic paraplegia 30A, autosomal dominant. Last evaluated: 2018-01-12. Review status: criteria provided, single submitter. Criteria: ICSL Variant Classification Criteria 13 December 2019. Collection method: clinical testing. Allele origin: germline.
Comment: This variant was observed in the ICSL laboratory as part of a predisposition screen in an ostensibly healthy population. It had not been previously curated by ICSL or reported in the Human Gene Mutation Database (HGMD: prior to June 1st, 2018), and was therefore a candidate for classification through an automated scoring system. Utilizing variant allele frequency, disease prevalence and penetrance estimates, and inheritance mode, an automated score was calculated to assess if this variant is too frequent to cause the disease. Based on the score and internal cut-off values, a variant classified as likely benign is not then subjected to further curation. The score for this variant resulted in a classification of likely benign for this disease.

Breakthrough Genomics
Classification: Likely benign. Review status: criteria provided, single submitter. Criteria: ACMG Guidelines, 2015. Collection method: not provided. Allele origin: germline. Inheritance: Autosomal recessive inheritance. Affected: yes.

NM_001244008.2(KIF1A):c.*1686G>C

Gene: KIF1A (kinesin family member 1A; minus strand). Cytogenetic location: 2q37.3.
Variant type: single nucleotide variant.
Coding change: c.*1686G>C on transcript NM_001244008.2 (MANE Select); 1686 bases downstream of the stop codon, G replaced by C.
Molecular consequence: 3 prime UTR variant.
Genome position (GRCh38, 1-based): chr2:240,715,678, C>G on the plus strand (G>C on the coding strand, the complement: KIF1A is on the minus strand). VCF-style: chr2-240715678-C-G. GRCh37 (hg19) VCF-style: chr2-241655095-C-G.
Other names: c.*1686G>C (NM_001320705.2, NM_001330289.2, NM_001330290.2 and 20 more transcripts).
Identifiers: ClinVar variation 335237 (VCV000335237.6), dbSNP rs142220621, ClinGen allele CA10614731.